The following is an entry in ClinVar:

NM_001844.5(COL2A1):c.1897G>A (p.Gly633Ser)

Gene: COL2A1 (collagen type II alpha 1 chain; minus strand). Cytogenetic location: 12q13.11.
Variant type: single nucleotide variant.
Coding change: c.1897G>A on transcript NM_001844.5 (MANE Select); coding-DNA position 1897, G replaced by A.
Protein change: p.Gly633Ser; replaces glycine 633 with serine.
Molecular consequence: missense variant.
Genome position (GRCh38, 1-based): chr12:47,984,131, C>T on the plus strand (G>A on the coding strand, the complement: COL2A1 is on the minus strand). VCF-style: chr12-47984131-C-T. GRCh37 (hg19) VCF-style: chr12-48377914-C-T.
Other names: c.1690G>A, p.Gly564Ser (NM_033150.3); short protein forms G633S, G564S.
Identifiers: ClinVar variation 451803 (VCV000451803.10), dbSNP rs1555166826, ClinGen allele CA384549076.

ClinVar aggregate classification (germline): Likely pathogenic. Review status: criteria provided, multiple submitters, no conflicts (2 of 4 stars). 3 submissions from 3 submitters: Likely pathogenic (3). Last evaluated 2024-07-23.

Conditions:
Achondrogenesis type II (ACG2). Also called: ACHONDROGENESIS, LANGER-SALDINO TYPE; CHONDROGENESIS IMPERFECTA. Identifiers: Orphanet 932, Orphanet 93296, MedGen C0220685, MONDO:0008702, OMIM 200610.
Stickler syndrome, type I, nonsyndromic ocular. Also called: STICKLER SYNDROME, ATYPICAL; STICKLER SYNDROME, TYPE I, PREDOMINANTLY OCULAR. Identifiers: MedGen C1836080, MONDO:0012287, OMIM 609508.
Spondyloepiphyseal dysplasia with metatarsal shortening. Also called: CZECH DYSPLASIA, METATARSAL TYPE; SPONDYLOEPIPHYSEAL DYSPLASIA WITH PRECOCIOUS OSTEOARTHRITIS; Pseudorheumatoid dysplasia progressive, with hypoplastic toes. Identifiers: Orphanet 137678, MedGen C1836683, MONDO:0012206, OMIM 609162.
Stickler syndrome type 1 (STL1). Also called: ARTHROOPHTHALMOPATHY, HEREDITARY PROGRESSIVE; COL2A1-Related Stickler Syndrome; STICKLER SYNDROME, MEMBRANOUS VITREOUS TYPE; STICKLER SYNDROME, VITREOUS TYPE 1. Identifiers: Orphanet 828, Orphanet 90653, MedGen C2020284, MONDO:0007160, OMIM 108300.
Kniest dysplasia. Identifiers: Orphanet 485, MedGen C0265279, MONDO:0007987, OMIM 156550.
Avascular necrosis of femoral head, primary, 1 (ANFH1). Also called: Avascular necrosis of femoral head, primary. Identifiers: Orphanet 86820, MedGen C4551562, MONDO:0054550, OMIM 608805.
Platyspondylic dysplasia, Torrance type (PLSDT). Identifiers: Orphanet 85166, MedGen C1835437, MONDO:0007895, OMIM 151210.
Spondyloepiphyseal dysplasia congenita (SEDC). Also called: SED CONGENITA; SPONDYLOEPIPHYSEAL DYSPLASIA, CONGENITAL TYPE. Identifiers: Orphanet 94068, MedGen C2745959, MONDO:0008471, OMIM 183900.
Legg-Calve-Perthes disease. Also called: Osteochondritis deformans; Coxa plana; Avascular necrosis of the capital femoral epiphysis; PERTHES DISEASE. Identifiers: Orphanet 2380, MedGen C1442965, MONDO:0007885, OMIM 150600, HP:0005743.
Spondyloepimetaphyseal dysplasia, Strudwick type (SEMDSTWK). Also called: DAPPLED METAPHYSIS SYNDROME; STRUDWICK SYNDROME. Identifiers: Orphanet 93346, MedGen C0700635, MONDO:0008476, OMIM 184250.
Spondyloepiphyseal dysplasia, Stanescu type. Also called: SED, STANESCU TYPE; SPONDYLOEPIMETAPHYSEAL DYSPLASIA, STANESCU TYPE. Identifiers: Orphanet 459051, MedGen C4225273, MONDO:0014701, OMIM 616583.
Vitreoretinopathy with phalangeal epiphyseal dysplasia (VPED). Identifiers: MedGen C1852989, MONDO:0031001, OMIM 619248.
Spondylometaphyseal dysplasia, Schmidt type (SMDALG). Also called: SPONDYLOMETAPHYSEAL DYSPLASIA, ALGERIAN TYPE; SPONDYLOMETAPHYSEAL DYSPLASIA WITH SEVERE GENU VALGUM. Identifiers: Orphanet 93316, MedGen C1866688, MONDO:0008478, OMIM 184253.
Namaqualand hip dysplasia (OSCDP). Also called: Mild spondyloepiphyseal dysplasia due to COL2A1 mutation with early-onset osteoarthritis. Identifiers: Orphanet 93279, MedGen C0432214, MONDO:0011496, OMIM 604864.
Spondyloperipheral dysplasia. Also called: Spondyloperipheral dysplasia-short ulna syndrome; SPONDYLOPERIPHERAL DYSPLASIA WITH SHORT ULNA. Identifiers: Orphanet 1856, MedGen C0796173, MONDO:0010078, OMIM 271700.
Multiple epiphyseal dysplasia, Beighton type. Identifiers: Orphanet 166011, MedGen C1851536, MONDO:0007562, OMIM 132450.

Submissions (3):

GeneDx
Classification: Likely pathogenic. Last evaluated: 2024-07-23. Review status: criteria provided, single submitter. Criteria: GeneDx Variant Classification Process June 2021. Collection method: clinical testing. Allele origin: germline. Affected: yes.
Comment: Not observed at significant frequency in large population cohorts (gnomAD); Has not been previously published as pathogenic or benign to our knowledge; In silico analysis supports that this missense variant has a deleterious effect on protein structure/function; Occurs in the triple helical domain and replaces a glycine in a canonical Gly-X-Y repeat; missense substitution of a canonical glycine residue is expected to disrupt normal protein folding and function, and this is an established mechanism of disease (PMID: 34007986); This variant is associated with the following publications: (PMID: 34007986)

Labcorp Genetics (formerly Invitae), Labcorp
Classification: Likely pathogenic. Last evaluated: 2023-09-01. Review status: criteria provided, single submitter. Criteria: Invitae Variant Classification Sherloc (09022015). Collection method: clinical testing. Allele origin: germline.
Comment: Advanced modeling of protein sequence and biophysical properties (such as structural, functional, and spatial information, amino acid conservation, physicochemical variation, residue mobility, and thermodynamic stability) performed at Invitae indicates that this missense variant is expected to disrupt COL2A1 protein function. In summary, the currently available evidence indicates that the variant is pathogenic, but additional data are needed to prove that conclusively. Therefore, this variant has been classified as Likely Pathogenic. This variant disrupts the triple helix domain of COL2A1. Glycine residues within the Gly-Xaa-Yaa repeats of the triple helix domain are required for the structure and stability of fibrillar collagens (PMID: 7695699, 8218237, 19344236). In COL2A1, variants affecting these glycine residues are significantly enriched in individuals with disease (PMID: 9016532, 17078022) compared to the general population (ExAC). ClinVar contains an entry for this variant (Variation ID: 451803). This sequence change replaces glycine, which is neutral and non-polar, with serine, which is neutral and polar, at codon 633 of the COL2A1 protein (p.Gly633Ser). This variant has not been reported in the literature in individuals affected with COL2A1-related conditions. This variant is not present in population databases (gnomAD no frequency).

Juno Genomics, Hangzhou Juno Genomics, Inc
Classification: Likely pathogenic for Multiple epiphyseal dysplasia, Beighton type; Vitreoretinopathy with phalangeal epiphyseal dysplasia; Achondrogenesis type II; Avascular necrosis of femoral head, primary, 1; Spondyloepiphyseal dysplasia with metatarsal shortening; Kniest dysplasia; Legg-Calve-Perthes disease; Namaqualand hip dysplasia; Platyspondylic dysplasia, Torrance type; Spondyloepiphyseal dysplasia congenita; Spondyloepimetaphyseal dysplasia, Strudwick type; Spondyloepiphyseal dysplasia, Stanescu type; Spondylometaphyseal dysplasia, Schmidt type; Spondyloperipheral dysplasia; Stickler syndrome type 1; Stickler syndrome, type I, nonsyndromic ocular. Review status: criteria provided, single submitter. Criteria: ACMG Guidelines, 2015. Collection method: clinical testing. Allele origin: germline.
Comment: Absent from controls (or at extremely low frequency if recessive) in Genome Aggregation Database.;De novo (both maternity and paternity confirmed) in a patient with the disease and no family history.;Multiple lines of computational evidence support a deleterious effect on the gene or gene product.;Missense variant in a gene that has a low rate of benign missense variation.

Literature cited by the submitters: PubMed 7695699 (cited by Labcorp Genetics (formerly Invitae), Labcorp); PubMed 8218237 (cited by Labcorp Genetics (formerly Invitae), Labcorp); PubMed 19344236 (cited by Labcorp Genetics (formerly Invitae), Labcorp); PubMed 9016532 (cited by Labcorp Genetics (formerly Invitae), Labcorp); PubMed 17078022 (cited by Labcorp Genetics (formerly Invitae), Labcorp).